The following is an entry in ClinVar:

NM_001267550.2(TTN):c.96422T>A (p.Ile32141Asn)

Genes: TTN-AS1 (TTN antisense RNA 1; plus strand), TTN (titin; minus strand), LOC126806421 (CDK7 strongly-dependent group 2 enhancer GRCh37_chr2:179407630-179408829; plus strand). Cytogenetic location: 2q31.2.
Variant type: single nucleotide variant.
Coding change: c.96422T>A on transcript NM_001267550.2 (MANE Select); coding-DNA position 96422, T replaced by A.
Protein change: p.Ile32141Asn; replaces isoleucine 32141 with asparagine.
Molecular consequence: missense variant.
Genome position (GRCh38, 1-based): chr2:178,543,551, A>T on the plus strand (T>A on the coding strand, the complement: TTN is on the minus strand). VCF-style: chr2-178543551-A-T. GRCh37 (hg19) VCF-style: chr2-179408278-A-T.
Other names: c.91499T>A, p.Ile30500Asn (NM_001256850.1); c.69227T>A, p.Ile23076Asn (NM_003319.4); c.88718T>A, p.Ile29573Asn (NM_133378.4); c.69602T>A, p.Ile23201Asn (NM_133432.3); c.69803T>A, p.Ile23268Asn (NM_133437.4); short protein forms I32141N, I23268N, I23076N, I29573N, I23201N, I30500N.
Identifiers: ClinVar variation 535293 (VCV000535293.5), dbSNP rs753559586, ClinGen allele CA60970030.
Genomic context (GRCh38, chr2:178,543,551, plus strand): 5'-TTGCTGCATTTGGTAGTTACTGTTTTGAATGCTCTCATAGCAGCTTCACGCTTCTCAACG[A>T]TGTAATTGTTGACTGGAGCTCCACCATCAATCGTGGGAATTTCCCAAGTTATAGTCACAG-3'
Protein context (NP_001254479.2, residues 32131-32151): IDGGAPVNNY[Ile32141Asn]VEKREAAMRA

ClinVar aggregate classification (germline): Uncertain significance. Review status: criteria provided, multiple submitters, no conflicts (2 of 4 stars). 2 submissions from 2 submitters: Uncertain significance (2). Last evaluated 2019-07-29.

Conditions:
Autosomal recessive limb-girdle muscular dystrophy type 2J (LGMDR10). Also called: Limb-girdle muscular dystrophy, type 2J; MUSCULAR DYSTROPHY, LIMB-GIRDLE, AUTOSOMAL RECESSIVE 10. Identifiers: Orphanet 140922, MedGen C1837342, MONDO:0012127, OMIM 608807.
Dilated cardiomyopathy 1G (CMD1G). Identifiers: Orphanet 154, MedGen C1858763, MONDO:0011400, OMIM 604145.
Cardiovascular phenotype. Identifiers: MedGen CN230736.

Allele frequency attached by ClinVar (database versions not stated): gnomAD exomes below 0.00001; gnomAD 0.00001.
gnomAD v4.1: 4 of 1,611,936 alleles (0.00025%); highest among the groups gnomAD compares: African/African-American, 0.0013%; no homozygotes.

Submissions (2):

Ambry Genetics
Classification: Uncertain significance for Cardiovascular phenotype. Last evaluated: 2019-07-29. Review status: criteria provided, single submitter. Criteria: Ambry Variant Classification Scheme 2023. Collection method: clinical testing. Allele origin: germline.
Comment: The p.I23076N variant (also known as c.69227T>A), located in coding exon 174 of the TTN gene, results from a T to A substitution at nucleotide position 69227. The isoleucine at codon 23076 is replaced by asparagine, an amino acid with dissimilar properties. This amino acid position is highly conserved in available vertebrate species. In addition, the in silico prediction for this alteration is inconclusive. Since supporting evidence is limited at this time, the clinical significance of this alteration remains unclear.

Labcorp Genetics (formerly Invitae), Labcorp
Classification: Uncertain significance for Dilated cardiomyopathy 1G; Autosomal recessive limb-girdle muscular dystrophy type 2J. Last evaluated: 2017-10-17. Review status: criteria provided, single submitter. Criteria: Invitae Variant Classification Sherloc (09022015). Collection method: clinical testing. Allele origin: germline.